The following is an entry in ClinVar:

NM_021975.4(RELA):c.1005_1019del (p.Arg336_Ser340del)

Gene: RELA (RELA proto-oncogene, NF-kB subunit; minus strand). Cytogenetic location: 11q13.1.
Variant type: Deletion.
Coding change: c.1005_1019del on transcript NM_021975.4 (MANE Select); coding-DNA positions 1005 to 1019, 15 bases deleted (CCGCAGCTCAGCTTC).
Protein change: p.Arg336_Ser340del.
Molecular consequence: inframe deletion. On other transcripts: inframe indel (7).
Genome position (GRCh38, 1-based): chr11:65,655,702-65,655,716, GAAGCTGAGCTGCGG deleted on the plus strand (CCGCAGCTCAGCTTC on the coding strand, the reverse complement: RELA is on the minus strand); deleting any 15 consecutive bases within chr11:65,655,702-65,655,720 gives the same sequence; the c. name uses the placement nearest the transcript's 3' end. VCF-style (leftmost placement, unchanged base first): chr11-65655701-AGAAGCTGAGCTGCGG-A. GRCh37 (hg19) VCF-style: chr11-65423172-AGAAGCTGAGCTGCGG-A.
Other names: c.996_1010del, p.Arg333_Ser337del (NM_001145138.2); c.1005_1019del, p.Arg336_Ser340del (NM_001243984.2, NM_001243985.2); c.1034_1048delCTTCCCGCAGCTCAG, p.Arg347_Ser351del (NM_001404657.1); c.974_988delCTTCCCGCAGCTCAG, p.Arg327_Ser331del (NM_001404658.1); c.788_802delCTTCCCGCAGCTCAG, p.Arg265_Ser269del (NM_001404659.1); c.683_697delCTTCCCGCAGCTCAG, p.Arg230_Ser234del (NM_001404660.1); c.620_634delCTTCCCGCAGCTCAG, p.Arg209_Ser213del (NM_001404661.1); c.908_922delCTTCCCGCAGCTCAG, p.Arg305_Ser309del (NM_001404662.1, NM_001404663.1).
Identifiers: ClinVar variation 1948935 (VCV001948935.5), dbSNP rs1350659290, ClinGen allele CA600227973.

ClinVar aggregate classification (germline): Uncertain significance (1 of 4 stars; one submission).

Submission:

Labcorp Genetics (formerly Invitae), Labcorp
Classification: Uncertain significance. Last evaluated: 2022-09-17. Review status: criteria provided, single submitter. Criteria: Invitae Variant Classification Sherloc (09022015). Collection method: clinical testing. Allele origin: germline.
Comment: In summary, the available evidence is currently insufficient to determine the role of this variant in disease. Therefore, it has been classified as a Variant of Uncertain Significance. Experimental studies and prediction algorithms are not available or were not evaluated, and the functional significance of this variant is currently unknown. This variant has not been reported in the literature in individuals affected with RELA-related conditions. This variant is present in population databases (no rsID available, gnomAD 0.0009%). This variant, c.1005_1019del, results in the deletion of 5 amino acid(s) of the RELA protein (p.Arg336_Ser340del), but otherwise preserves the integrity of the reading frame.